The following is an entry in ClinVar:

ClinVar aggregate classification (germline): Likely benign. Review status: criteria provided, multiple submitters, no conflicts (2 of 4 stars). 5 submissions from 5 submitters: Likely benign (5). Last evaluated 2026-09-01.

Conditions:
Cardiovascular phenotype. Identifiers: MedGen CN230736.
Hypertrophic cardiomyopathy. Also called: HYPERTROPHIC MYOCARDIOPATHY. Identifiers: Orphanet 217569, MedGen C0007194, MeSH D002312, MONDO:0005045, HP:0001639.
Cardiomyopathy (CMYO). Also called: Cardiomyopathies. Identifiers: Orphanet 167848, MedGen C0878544, MONDO:0004994, HP:0001638. Inheritance: Various modes of inheritance.

Allele frequency attached by ClinVar (database versions not stated): TOPMed below 0.00001; gnomAD exomes 0.00001.
gnomAD v4.1: 13 of 1,614,212 alleles (0.00081%); highest among the groups gnomAD compares: Non-Finnish European, 0.0011%; no homozygotes.

Submissions (5):

CeGaT Center for Human Genetics Tuebingen
Classification: Likely benign. Last evaluated: 2026-09-01. Review status: criteria provided, single submitter. Criteria: CeGaT Center For Human Genetics Tuebingen Variant Classification Criteria Version 2. Collection method: clinical testing. Allele origin: germline. Affected: yes. Observed: 1 variant allele.
Comment: MYH7: BP4, BP7

Ambry Genetics
Classification: Likely benign for Cardiovascular phenotype. Last evaluated: 2025-02-22. Review status: criteria provided, single submitter. Criteria: Ambry Variant Classification Scheme 2023. Collection method: clinical testing. Allele origin: germline.

Labcorp Genetics (formerly Invitae), Labcorp
Classification: Likely benign for Hypertrophic cardiomyopathy. Last evaluated: 2024-08-20. Review status: criteria provided, single submitter. Criteria: Invitae Variant Classification Sherloc (09022015). Collection method: clinical testing. Allele origin: germline.

All of Us Research Program, National Institutes of Health
Classification: Likely benign for Cardiomyopathy. Last evaluated: 2024-04-25. Review status: criteria provided, single submitter. Criteria: ACMG Guidelines, 2015. Collection method: clinical testing. Allele origin: germline. Inheritance: Autosomal dominant inheritance. Observed: 1 variant allele, 1 heterozygote.
Comment: This study involves interpretation of variants in research participants for the purpose of population health screening. Participant phenotype was not available at the time of variant classification. Additional details can be found in publication PMID: 35346344, PMCID: PMC8962531

Color Diagnostics, LLC DBA Color Health
Classification: Likely benign for Cardiomyopathy. Last evaluated: 2019-10-30. Review status: criteria provided, single submitter. Criteria: ACMG Guidelines, 2015. Collection method: clinical testing. Allele origin: germline.

NM_000257.4(MYH7):c.2067C>A (p.Val689=)

Gene: MYH7 (myosin heavy chain 7; minus strand). Cytogenetic location: 14q11.2.
Variant type: single nucleotide variant.
Coding change: c.2067C>A on transcript NM_000257.4 (MANE Select); coding-DNA position 2067, C replaced by A.
Protein change: p.Val689=; no amino-acid change (valine 689 retained).
Molecular consequence: synonymous variant.
Genome position (GRCh38, 1-based): chr14:23,426,059, G>T on the plus strand (C>A on the coding strand, the complement: MYH7 is on the minus strand). VCF-style: chr14-23426059-G-T. GRCh37 (hg19) VCF-style: chr14-23895268-G-T.
Identifiers: ClinVar variation 920905 (VCV000920905.12), dbSNP rs1162320803, ClinGen allele CA485766984.